The following is an entry in ClinVar:

ClinVar aggregate classification (germline): Conflicting classifications of pathogenicity. Review status: criteria provided, conflicting classifications (1 of 4 stars). 12 submissions from 11 submitters: Uncertain significance (6); Benign (1); Likely benign (2). 3 of the submissions do not count toward it. Last evaluated 2025-12-01.

Conditions:
Lethal Kniest-like syndrome (DDSH). Also called: Dyssegmental Dysplasia. Identifiers: Orphanet 1865, MedGen C1857100, MONDO:0009140, OMIM 224410.
Inborn genetic diseases. Identifiers: MedGen C0950123, MeSH D030342.
HSPG2-related disorder. Also called: HSPG2-related condition; HSPG2-related disorders.
Schwartz-Jampel syndrome type 1 (SJS1). Also called: MYOTONIC MYOPATHY, DWARFISM, CHONDRODYSTROPHY, AND OCULAR AND FACIAL ABNORMALITIES; CHONDRODYSTROPHIC MYOTONIA. Identifiers: MedGen C4551479, MONDO:0100435, OMIM 255800.
Schwartz-Jampel syndrome. Also called: Myotonic myopathy dwarfism chondrodystrophy and ocular and facial abnormalities. Identifiers: Orphanet 800, MedGen C0036391, MONDO:0009717.

Allele frequency attached by ClinVar (database versions not stated): gnomAD 0.00060 and 0.00066; ExAC 0.00062; TOPMed 0.00066; gnomAD exomes 0.00068 and 0.00080; ESP Exome Variant Server 0.00085.
gnomAD v4.1: 1,262 of 1,614,070 alleles (0.078%); highest among the groups gnomAD compares: Non-Finnish European, 0.089%; no homozygotes.

Submissions (12):

Labcorp Genetics (formerly Invitae), Labcorp
Classification: Likely benign. Last evaluated: 2025-12-01. Review status: criteria provided, single submitter. Criteria: Invitae Variant Classification Sherloc (09022015). Collection method: clinical testing. Allele origin: germline.

Athena Diagnostics
Classification: Benign. Last evaluated: 2024-10-07. Review status: criteria provided, single submitter. Criteria: Athena Diagnostics Criteria. Collection method: clinical testing. Allele origin: unknown.

Department of Pathology and Laboratory Medicine, Sinai Health System
Classification: Uncertain significance for Lethal Kniest-like syndrome; Schwartz-Jampel syndrome type 1. Last evaluated: 2021-12-01. Review status: criteria provided, single submitter. Criteria: ACMG Guidelines, 2015. Collection method: research. Allele origin: germline.

Ambry Genetics
Classification: Likely benign for Inborn genetic diseases. Last evaluated: 2021-11-03. Review status: criteria provided, single submitter. Criteria: Ambry Variant Classification Scheme 2023. Collection method: clinical testing. Allele origin: germline.

ARUP Laboratories, Molecular Genetics and Genomics, ARUP Laboratories
Classification: Uncertain significance. Last evaluated: 2021-09-09. Review status: criteria provided, single submitter. Criteria: ARUP Molecular Germline Variant Investigation Process 2021. Collection method: clinical testing. Allele origin: germline.
Comment: The HSPG2 c.9564G>C; p.Gln3188His variant (rs149644947), to our knowledge, is not reported in the medical literature but is reported in ClinVar (Variation ID: 295756). It is observed in the Ashkenazi Jewish population at an overall frequency of 0.43% (45/10370 alleles) in the Genome Aggregation Database. The glutamine at codon 3188 is moderately conserved, but computational analyses are uncertain whether this variant is neutral or deleterious (REVEL: 0.353). Due to limited evidence, the clinical significance of the p.Gln3188His variant is uncertain at this time.

Revvity Omics, Revvity
Classification: Uncertain significance. Last evaluated: 2021-05-03. Review status: criteria provided, single submitter. Criteria: ACMG Guidelines, 2015. Collection method: clinical testing. Allele origin: germline.

Illumina Laboratory Services, Illumina
Classification: Uncertain significance for Lethal Kniest-like syndrome. Last evaluated: 2018-01-12. Review status: criteria provided, single submitter. Criteria: ICSL Variant Classification Criteria 13 December 2019. Collection method: clinical testing. Allele origin: germline.

Illumina Laboratory Services, Illumina
Classification: Uncertain significance for Schwartz-Jampel syndrome type 1. Last evaluated: 2018-01-12. Review status: criteria provided, single submitter. Criteria: ICSL Variant Classification Criteria 13 December 2019. Collection method: clinical testing. Allele origin: germline.

GeneDx
Classification: Uncertain significance. Last evaluated: 2016-11-23. Review status: criteria provided, single submitter. Criteria: GeneDx Variant Classification (06012015). Collection method: clinical testing. Allele origin: germline. Affected: yes.
Comment: The Q3188H variant in the HSPG2 gene has not been reported previously as a pathogenic variant, nor as a benign variant, to our knowledge. Although not present in the homozygous state, the NHLBI ESP Exome Sequencing Project reports Q3188H was observed in 11/8600 alleles (0.13%) from individuals of European ancestry, indicating it may be a rare variant in this population. The Q3188H variant is a semi-conservative amino acid substitution, which may impact secondary protein structure as these residues differ in some properties. This substitution also occurs at a position that is conserved across mammalian species, and in silico analysis predicts this variant is probably damaging to the protein structure/function. We interpret Q3188H as a variant of uncertain significance.

PreventionGenetics, part of Exact Sciences
Classification: Likely benign for HSPG2-related condition. Last evaluated: 2022-04-01. Review status: no assertion criteria provided. Collection method: clinical testing. Allele origin: germline. Not counted in ClinVar's aggregate classification.
Comment: This variant is classified as likely benign based on ACMG/AMP sequence variant interpretation guidelines (Richards et al. 2015 PMID: 25741868, with internal and published modifications).

Clinical Genetics DNA and cytogenetics Diagnostics Lab, Erasmus MC, Erasmus Medical Center
Classification: Uncertain significance. Review status: no assertion criteria provided. Collection method: clinical testing. Allele origin: germline. Affected: yes. Study: VKGL Data-share Consensus. Not counted in ClinVar's aggregate classification.

Laboratory of Diagnostic Genome Analysis, Leiden University Medical Center (LUMC)
Classification: Uncertain significance. Review status: no assertion criteria provided. Collection method: clinical testing. Allele origin: germline. Affected: yes. Study: VKGL Data-share Consensus. Not counted in ClinVar's aggregate classification.

NM_005529.7(HSPG2):c.9564G>C (p.Gln3188His)

Gene: HSPG2 (heparan sulfate proteoglycan 2; minus strand). Cytogenetic location: 1p36.12.
Variant type: single nucleotide variant.
Coding change: c.9564G>C on transcript NM_005529.7 (MANE Select); coding-DNA position 9564, G replaced by C.
Protein change: p.Gln3188His; replaces glutamine 3188 with histidine.
Molecular consequence: missense variant.
Genome position (GRCh38, 1-based): chr1:21,839,967, C>G on the plus strand (G>C on the coding strand, the complement: HSPG2 is on the minus strand). VCF-style: chr1-21839967-C-G. GRCh37 (hg19) VCF-style: chr1-22166460-C-G.
Other names: c.9567G>C, p.Gln3189His (NM_001291860.2); short protein forms Q3188H, Q3189H.
Identifiers: ClinVar variation 295756 (VCV000295756.28), dbSNP rs149644947, ClinGen allele CA670399.